The following is an entry in ClinVar:

ClinVar aggregate classification (germline): Likely benign (1 of 4 stars; one submission).

gnomAD v4.1: 6,239 of 1,614,064 alleles (0.39%); highest among the groups gnomAD compares: Middle Eastern, 1.2%; 19 homozygotes.

Submission:

CeGaT Center for Human Genetics Tuebingen
Classification: Likely benign. Last evaluated: 2025-03-01. Review status: criteria provided, single submitter. Criteria: CeGaT Center For Human Genetics Tuebingen Variant Classification Criteria Version 2. Collection method: clinical testing. Allele origin: germline. Affected: yes. Observed: 1 variant allele.
Comment: CPSF2: BP4, BP7, BS2

NM_017437.3(CPSF2):c.1737C>T (p.Arg579=)

Gene: CPSF2 (cleavage and polyadenylation specific factor 2; plus strand). Cytogenetic location: 14q32.12.
Variant type: single nucleotide variant.
Coding change: c.1737C>T on transcript NM_017437.3 (MANE Select); coding-DNA position 1737, C replaced by T.
Protein change: p.Arg579=; no amino-acid change (arginine 579 retained).
Molecular consequence: synonymous variant.
Genome position (GRCh38, 1-based): chr14:92,157,800, C>T. VCF-style: chr14-92157800-C-T. GRCh37 (hg19) VCF-style: chr14-92624144-C-T.
Other names: c.1584C>T, p.Arg528= (NM_001322270.2); c.1278C>T, p.Arg426= (NM_001322271.2); c.1737C>T, p.Arg579= (NM_001322272.2).
Identifiers: ClinVar variation 3777798 (VCV003777798.7).